The following is an entry in ClinVar:

ClinVar aggregate classification (germline): Pathogenic (1 of 4 stars; one submission).

Conditions:
Charcot-Marie-Tooth Neuropathy X. Identifiers: MedGen CN118851.

Submission:

Labcorp Genetics (formerly Invitae), Labcorp
Classification: Pathogenic for Charcot-Marie-Tooth Neuropathy X. Last evaluated: 2022-06-29. Review status: criteria provided, single submitter. Criteria: Invitae Variant Classification Sherloc (09022015). Collection method: clinical testing. Allele origin: germline.
Comment: For these reasons, this variant has been classified as Pathogenic. This variant disrupts a region of the GJB1 protein in which other variant(s) (p.Arg220*) have been determined to be pathogenic (PMID: 7477983, 8162049, 9364054, 9592087, 21291455). This suggests that this is a clinically significant region of the protein, and that variants that disrupt it are likely to be disease-causing. This variant has not been reported in the literature in individuals affected with GJB1-related conditions. This variant is not present in population databases (gnomAD no frequency). This sequence change creates a premature translational stop signal (p.Lys124Ilefs*73) in the GJB1 gene. While this is not anticipated to result in nonsense mediated decay, it is expected to disrupt the last 160 amino acid(s) of the GJB1 protein.

Literature cited by the submitters: PubMed 7477983; PubMed 8162049; PubMed 9364054; PubMed 9592087; PubMed 21291455.

NM_000166.6(GJB1):c.371_377delinsTCTTCACCT (p.Lys124fs)

Gene: GJB1 (gap junction protein beta 1; plus strand). Cytogenetic location: Xq13.1.
Variant type: Indel.
Coding change: c.371_377delinsTCTTCACCT on transcript NM_000166.6 (MANE Select); coding-DNA positions 371 to 377, AGGTCCA replaced by TCTTCACCT.
Protein change: p.Lys124fs; shifts the reading frame from lysine 124.
Molecular consequence: frameshift variant.
Genome position (GRCh38, 1-based): chrX:71,224,078-71,224,084, AGGTCCA replaced by TCTTCACCT. VCF-style: chrX-71224078-AGGTCCA-TCTTCACCT. GRCh37 (hg19) VCF-style: chrX-70443928-AGGTCCA-TCTTCACCT.
Other names: c.371_377delinsTCTTCACCT, p.Lys124fs (NM_001097642.3); short protein forms K124fs.
Identifiers: ClinVar variation 2798186 (VCV002798186.3), dbSNP rs2519798386, ClinGen allele CA2739273577.
Genomic context (GRCh38, chrX:71,224,078, plus strand): 5'-AAATGCTACGGCTTGAGGGCCATGGGGACCCCCTACACCTGGAGGAGGTGAAGAGGCACA[AGGTCCA>TCTTCACCT]CATCTCAGGGACACTGTGGTGGACCTATGTCATCAGCGTGGTGTTCCGGCTGTTGTTTGA-3'